The following is an entry in ClinVar:

NM_001242896.3(DEPDC5):c.2989C>T (p.Arg997Cys)

Gene: DEPDC5 (DEP domain containing 5, GATOR1 subcomplex subunit; plus strand). Cytogenetic location: 22q12.3.
Variant type: single nucleotide variant.
Coding change: c.2989C>T on transcript NM_001242896.3 (MANE Select); coding-DNA position 2989, C replaced by T.
Protein change: p.Arg997Cys; replaces arginine 997 with cysteine.
Molecular consequence: missense variant. On other transcripts: non-coding transcript variant (5).
Genome position (GRCh38, 1-based): chr22:31,845,205, C>T. VCF-style: chr22-31845205-C-T. GRCh37 (hg19) VCF-style: chr22-32241191-C-T.
Other names: c.2962C>T, p.Arg988Cys (NM_001136029.4, NM_001369903.1, NM_014662.6); c.2755C>T, p.Arg919Cys (NM_001242897.2, NM_001363854.2, NM_001364319.2); c.2989C>T, p.Arg997Cys (NM_001363852.2, NM_001364318.2, NM_001364320.2); c.2905C>T, p.Arg969Cys (NM_001369901.1, NM_001369902.1); short protein forms R997C, R919C, R969C, R988C.
Identifiers: ClinVar variation 534800 (VCV000534800.10), dbSNP rs1555900981, ClinGen allele CA411291430.

ClinVar aggregate classification (germline): Uncertain significance (1 of 4 stars; one submission).

Conditions:
Familial focal epilepsy with variable foci (FPEVF). Identifiers: Orphanet 98820, MedGen C1858477, MONDO:0020310.

Allele frequency attached by ClinVar (database versions not stated): gnomAD exomes below 0.00001.
gnomAD v4.1: 3 of 1,614,140 alleles (0.00019%); highest among the groups gnomAD compares: East Asian, 0.0022%; no homozygotes.

Submission:

Labcorp Genetics (formerly Invitae), Labcorp
Classification: Uncertain significance for Familial focal epilepsy with variable foci. Last evaluated: 2022-12-02. Review status: criteria provided, single submitter. Criteria: Invitae Variant Classification Sherloc (09022015). Collection method: clinical testing. Allele origin: germline.
Comment: In summary, the available evidence is currently insufficient to determine the role of this variant in disease. Therefore, it has been classified as a Variant of Uncertain Significance. Algorithms developed to predict the effect of missense changes on protein structure and function are either unavailable or do not agree on the potential impact of this missense change (SIFT: "Deleterious"; PolyPhen-2: "Not Available"; Align-GVGD: "Class C65"). ClinVar contains an entry for this variant (Variation ID: 534800). This missense change has been observed in individual(s) with focal epilepsy (PMID: 30093711). This variant is not present in population databases (gnomAD no frequency). This sequence change replaces arginine, which is basic and polar, with cysteine, which is neutral and slightly polar, at codon 997 of the DEPDC5 protein (p.Arg997Cys).

Literature cited by the submitters: PubMed 30093711.